The following is an entry in ClinVar:

ClinVar aggregate classification (germline): Conflicting classifications of pathogenicity. Review status: criteria provided, conflicting classifications (1 of 4 stars). 3 submissions from 3 submitters: Uncertain significance (2); Likely benign (1). Last evaluated 2026-07-29.

Conditions:
FLNC-related disorder. Also called: FLNC-related disorders; FLNC-related condition.
Myofibrillar myopathy 5. Also called: Filaminopathy (type); FILAMINOPATHY, AUTOSOMAL DOMINANT. Identifiers: Orphanet 171445, MedGen C1836050, MONDO:0012289, OMIM 609524.
Distal myopathy with posterior leg and anterior hand involvement. Also called: WILLIAMS DISTAL MYOPATHY. Identifiers: Orphanet 63273, MedGen C3279722, MONDO:0013550, OMIM 614065.
Hypertrophic cardiomyopathy 26. Also called: Cardiomyopathy, familial hypertrophic, 26. Identifiers: Orphanet 75249, MedGen C4310749, MONDO:0014883, OMIM 617047.
Cardiovascular phenotype. Identifiers: MedGen CN230736.

Allele frequency attached by ClinVar (database versions not stated): ExAC 0.00001; gnomAD exomes 0.00002; gnomAD 0.00003; TOPMed 0.00004.
gnomAD v4.1: 29 of 1,607,128 alleles (0.0018%); highest among the groups gnomAD compares: South Asian, 0.0044%; no homozygotes.

Submissions (3):

Ambry Genetics
Classification: Likely benign for Cardiovascular phenotype. Last evaluated: 2026-07-29. Review status: criteria provided, single submitter. Criteria: Ambry Variant Classification Scheme 2023. Collection method: clinical testing. Allele origin: germline.

Labcorp Genetics (formerly Invitae), Labcorp
Classification: Uncertain significance for Distal myopathy with posterior leg and anterior hand involvement; Myofibrillar myopathy 5; Hypertrophic cardiomyopathy 26. Last evaluated: 2025-12-09. Review status: criteria provided, single submitter. Criteria: Invitae Variant Classification Sherloc (09022015). Collection method: clinical testing. Allele origin: germline.
Comment: This sequence change replaces valine, which is neutral and non-polar, with methionine, which is neutral and non-polar, at codon 307 of the FLNC protein (p.Val307Met). This variant is present in population databases (rs763968152, gnomAD 0.006%). This variant has not been reported in the literature in individuals affected with FLNC-related conditions. ClinVar contains an entry for this variant (Variation ID: 472188). An algorithm developed to predict the effect of missense changes on protein structure and function outputs the following: PolyPhen-2: "Benign". The methionine amino acid residue is found in multiple mammalian species, which suggests that this missense change does not adversely affect protein function. In summary, the available evidence is currently insufficient to determine the role of this variant in disease. Therefore, it has been classified as a Variant of Uncertain Significance.

PreventionGenetics, part of Exact Sciences
Classification: Uncertain significance for FLNC-related condition. Last evaluated: 2025-01-05. Review status: criteria provided, single submitter. Criteria: ACMG Guidelines, 2015. Collection method: clinical testing. Allele origin: germline.
Comment: The FLNC c.919G>A variant is predicted to result in the amino acid substitution p.Val307Met. To our knowledge, this variant has not been reported in the literature. This variant is reported in 0.0059% of alleles in individuals of East Asian descent in gnomAD. At this time, the clinical significance of this variant is uncertain due to the absence of conclusive functional and genetic evidence.

NM_001458.5(FLNC):c.919G>A (p.Val307Met)

Gene: FLNC (filamin C; plus strand). Cytogenetic location: 7q32.1.
Variant type: single nucleotide variant.
Coding change: c.919G>A on transcript NM_001458.5 (MANE Select); coding-DNA position 919, G replaced by A.
Protein change: p.Val307Met; replaces valine 307 with methionine.
Molecular consequence: missense variant.
Genome position (GRCh38, 1-based): chr7:128,837,705, G>A. VCF-style: chr7-128837705-G-A. GRCh37 (hg19) VCF-style: chr7-128477759-G-A.
Other names: c.919G>A, p.Val307Met (NM_001127487.2); short protein forms V307M.
Identifiers: ClinVar variation 472188 (VCV000472188.11), dbSNP rs763968152, ClinGen allele CA4474168.